The following is an entry in ClinVar:

NM_004655.4(AXIN2):c.1110T>C (p.Phe370=)

Gene: AXIN2 (axin 2; minus strand). Cytogenetic location: 17q24.1.
Variant type: single nucleotide variant.
Coding change: c.1110T>C on transcript NM_004655.4 (MANE Select); coding-DNA position 1110, T replaced by C.
Protein change: p.Phe370=; no amino-acid change (phenylalanine 370 retained).
Molecular consequence: synonymous variant.
Genome position (GRCh38, 1-based): chr17:65,538,293, A>G on the plus strand (T>C on the coding strand, the complement: AXIN2 is on the minus strand). VCF-style: chr17-65538293-A-G. GRCh37 (hg19) VCF-style: chr17-63534411-A-G.
Other names: c.1110T>C (LRG_296t1); c.1110T>C, p.Phe370= (NM_001363813.1).
Identifiers: ClinVar variation 506412 (VCV000506412.11), dbSNP rs1405139649, ClinGen allele CA501476363.
Genomic context (GRCh38, chr17:65,538,293, plus strand): 5'-GCTGTGGCGGCTCTCCAACTCCAGCTTCAGCTTTTCCAGCCTCGAGATCAGCTCAGCTGC[A>G]AAGGTGGCGGGTTCCACGGGGGTCATCTCCTTGGGCAGGCGGTGGGTTCTCTACAGGACG-3'
Protein context (NP_004646.3, residues 360-380): KEMTPVEPAT[Phe370=]AAELISRLEK

ClinVar aggregate classification (germline): Benign/Likely benign. Review status: criteria provided, multiple submitters, no conflicts (2 of 4 stars). 4 submissions from 4 submitters: Benign (1); Likely benign (3). Last evaluated 2025-12-24.

Conditions:
Hereditary cancer-predisposing syndrome. Also called: Neoplastic Syndromes, Hereditary; Hereditary Cancer Syndrome; Tumor predisposition; Hereditary neoplastic syndrome. Identifiers: Orphanet 140162, MedGen C0027672, MeSH D009386, MONDO:0015356.
Oligodontia-cancer predisposition syndrome. Also called: TOOTH AGENESIS-COLORECTAL CANCER SYNDROME. Identifiers: Orphanet 300576, MedGen C1837750, MONDO:0012075, OMIM 608615. Disease mechanism: loss of function.

Allele frequency attached by ClinVar (database versions not stated): gnomAD exomes below 0.00001.
gnomAD v4.1: 1 of 1,614,180 alleles (0.000062%); highest among the groups gnomAD compares: Admixed American, 0.0017%; no homozygotes.

Submissions (4):

Labcorp Genetics (formerly Invitae), Labcorp
Classification: Likely benign for Oligodontia-cancer predisposition syndrome. Last evaluated: 2025-12-24. Review status: criteria provided, single submitter. Criteria: Invitae Variant Classification Sherloc (09022015). Collection method: clinical testing. Allele origin: germline.

Myriad Genetics, Inc.
Classification: Benign for Oligodontia-cancer predisposition syndrome. Last evaluated: 2024-07-01. Review status: criteria provided, single submitter. Criteria: Myriad Autosomal Dominant, Autosomal Recessive and X-Linked Classification Criteria (2023). Collection method: clinical testing. Allele origin: unknown.
Comment: This variant is considered benign. This variant is a silent/synonymous amino acid change and it is not expected to impact splicing.

Ambry Genetics
Classification: Likely benign for Hereditary cancer-predisposing syndrome. Last evaluated: 2023-02-03. Review status: criteria provided, single submitter. Criteria: Ambry Variant Classification Scheme 2023. Collection method: clinical testing. Allele origin: germline.

GeneDx
Classification: Likely benign. Last evaluated: 2017-04-13. Review status: criteria provided, single submitter. Criteria: GeneDx Variant Classification (06012015). Collection method: clinical testing. Allele origin: germline. Affected: yes.
Comment: This variant is considered likely benign or benign based on one or more of the following criteria: it is a conservative change, it occurs at a poorly conserved position in the protein, it is predicted to be benign by multiple in silico algorithms, and/or has population frequency not consistent with disease.